The following is an entry in ClinVar:

ClinVar aggregate classification (germline): Uncertain significance (1 of 4 stars; one submission).

Conditions:
Cardiovascular phenotype. Identifiers: MedGen CN230736.

Submission:

Ambry Genetics
Classification: Uncertain significance for Cardiovascular phenotype. Last evaluated: 2025-04-14. Review status: criteria provided, single submitter. Criteria: Ambry Variant Classification Scheme 2023. Collection method: clinical testing. Allele origin: germline.
Comment: The c.1686-5T>C intronic variant results from a T to C substitution 5 nucleotides upstream from coding exon 14 in the KCNQ1 gene. This nucleotide position is not well conserved in available vertebrate species. In silico splice site analysis predicts that this alteration will not have any significant effect on splicing. Based on the available evidence, the clinical significance of this variant remains unclear.

NM_000218.3(KCNQ1):c.1686-5T>C

Gene: KCNQ1 (potassium voltage-gated channel subfamily Q member 1; plus strand). Cytogenetic location: 11p15.5.
Variant type: single nucleotide variant.
Coding change: c.1686-5T>C on transcript NM_000218.3 (MANE Select); 5 bases into the intron before coding-DNA position 1686, T replaced by C.
Molecular consequence: intron variant.
Genome position (GRCh38, 1-based): chr11:2,776,981, T>C. VCF-style: chr11-2776981-T-C. GRCh37 (hg19) VCF-style: chr11-2798211-T-C.
Other names: c.1416-5T>C (NM_001406837.1); c.1590-5T>C (NM_001406836.1); c.1146-5T>C (NM_001406838.1); c.1305-5T>C (NM_181798.2).
Identifiers: ClinVar variation 4041808 (VCV004041808.1).